The following is an entry in ClinVar:

NM_007373.4(SHOC2):c.1484A>G (p.Asn495Ser)

Gene: SHOC2 (SHOC2 leucine rich repeat scaffold protein; plus strand). Cytogenetic location: 10q25.2.
Variant type: single nucleotide variant.
Coding change: c.1484A>G on transcript NM_007373.4 (MANE Select); coding-DNA position 1484, A replaced by G.
Protein change: p.Asn495Ser; replaces asparagine 495 with serine.
Molecular consequence: missense variant. On other transcripts: non-coding transcript variant (1).
Genome position (GRCh38, 1-based): chr10:111,009,774, A>G. VCF-style: chr10-111009774-A-G. GRCh37 (hg19) VCF-style: chr10-112769532-A-G.
Other names: c.1346A>G, p.Asn449Ser (NM_001269039.3); c.1484A>G, p.Asn495Ser (NM_001324336.2, NM_001324337.2); short protein forms N495S, N449S.
Identifiers: ClinVar variation 3656694 (VCV003656694.2).

ClinVar aggregate classification (germline): Uncertain significance (1 of 4 stars; one submission).

Conditions:
RASopathy. Also called: rasopathies; Noonan spectrum disorder. Identifiers: Orphanet 536391, MedGen C5555857, MONDO:0021060.

Submission:

Labcorp Genetics (formerly Invitae), Labcorp
Classification: Uncertain significance for RASopathy. Last evaluated: 2024-09-17. Review status: criteria provided, single submitter. Criteria: Invitae Variant Classification Sherloc (09022015). Collection method: clinical testing. Allele origin: germline.
Comment: This sequence change replaces asparagine, which is neutral and polar, with serine, which is neutral and polar, at codon 495 of the SHOC2 protein (p.Asn495Ser). This variant is not present in population databases (gnomAD no frequency). This variant has not been reported in the literature in individuals affected with SHOC2-related conditions. Invitae Evidence Modeling of protein sequence and biophysical properties (such as structural, functional, and spatial information, amino acid conservation, physicochemical variation, residue mobility, and thermodynamic stability) indicates that this missense variant is not expected to disrupt SHOC2 protein function with a negative predictive value of 80%. In summary, the available evidence is currently insufficient to determine the role of this variant in disease. Therefore, it has been classified as a Variant of Uncertain Significance.